The following is an entry in ClinVar:

NM_001374353.1(GLI2):c.4467G>A (p.Glu1489=)

Gene: GLI2 (GLI family zinc finger 2; plus strand). Cytogenetic location: 2q14.2.
Variant type: single nucleotide variant.
Coding change: c.4467G>A on transcript NM_001374353.1 (MANE Select); coding-DNA position 4467, G replaced by A.
Protein change: p.Glu1489=; no amino-acid change (glutamic acid 1489 retained).
Molecular consequence: synonymous variant.
Genome position (GRCh38, 1-based): chr2:120,990,432, G>A. VCF-style: chr2-120990432-G-A. GRCh37 (hg19) VCF-style: chr2-121748008-G-A.
Other names: c.4518G>A, p.Glu1506= (NM_001371271.1, NM_005270.5); c.4092G>A, p.Glu1364= (NM_001374354.1).
Identifiers: ClinVar variation 3030282 (VCV003030282.2), dbSNP rs1412348553, ClinGen allele CA428750666.

ClinVar aggregate classification (germline): Likely benign (0 of 4 stars; one submission).

Conditions:
GLI2-related disorder. Also called: GLI2-related disorders; GLI2-related condition.

Allele frequency attached by ClinVar (database versions not stated): gnomAD 0.00001; gnomAD exomes 0.00001; TOPMed 0.00001.
gnomAD v4.1: 20 of 1,613,926 alleles (0.0012%); highest among the groups gnomAD compares: East Asian, 0.0045%; no homozygotes.

Submission:

PreventionGenetics, part of Exact Sciences
Classification: Likely benign for GLI2-related condition. Last evaluated: 2022-04-20. Review status: no assertion criteria provided. Collection method: clinical testing. Allele origin: germline.
Comment: This variant is classified as likely benign based on ACMG/AMP sequence variant interpretation guidelines (Richards et al. 2015 PMID: 25741868, with internal and published modifications).